The following is an entry in ClinVar:

ClinVar aggregate classification (germline): Pathogenic (1 of 4 stars; one submission).

Submission:

Labcorp Genetics (formerly Invitae), Labcorp
Classification: Pathogenic. Last evaluated: 2022-10-10. Review status: criteria provided, single submitter. Criteria: Invitae Variant Classification Sherloc (09022015). Collection method: clinical testing. Allele origin: germline.
Comment: This variant has not been reported in the literature in individuals affected with FLNB-related conditions. This variant is not present in population databases (gnomAD no frequency). This sequence change creates a premature translational stop signal (p.Trp555*) in the FLNB gene. It is expected to result in an absent or disrupted protein product. Loss-of-function variants in FLNB are known to be pathogenic (PMID: 14991055). For these reasons, this variant has been classified as Pathogenic.

Literature cited by the submitters: PubMed 14991055.

NM_001457.4(FLNB):c.1665G>A (p.Trp555Ter)

Gene: FLNB (filamin B; plus strand). Cytogenetic location: 3p14.3.
Variant type: single nucleotide variant.
Coding change: c.1665G>A on transcript NM_001457.4 (MANE Select); coding-DNA position 1665, G replaced by A.
Protein change: p.Trp555Ter; replaces tryptophan 555 with a stop codon.
Molecular consequence: nonsense.
Genome position (GRCh38, 1-based): chr3:58,105,134, G>A. VCF-style: chr3-58105134-G-A. GRCh37 (hg19) VCF-style: chr3-58090861-G-A.
Other names: c.1665G>A, p.Trp555Ter (NM_001164317.2, NM_001164318.2, NM_001164319.2); short protein forms W555*.
Identifiers: ClinVar variation 2030487 (VCV002030487.4), dbSNP rs2471072801, ClinGen allele CA353339102.